The following is an entry in ClinVar:

NM_000051.4(ATM):c.6153_6159delinsTC (p.Glu2052fs)

Genes: ATM (ATM serine/threonine kinase; plus strand), C11orf65 (chromosome 11 open reading frame 65; minus strand). Cytogenetic location: 11q22.3.
Variant type: Indel.
Coding change: c.6153_6159delinsTC on transcript NM_000051.4 (MANE Select); coding-DNA positions 6153 to 6159, CGAAACA replaced by TC.
Protein change: p.Glu2052fs; shifts the reading frame from glutamic acid 2052.
Molecular consequence: frameshift variant. On other transcripts: intron variant (2).
Genome position (GRCh38, 1-based): chr11:108,316,068-108,316,074, CGAAACA replaced by TC. VCF-style: chr11-108316068-CGAAACA-TC. GRCh37 (hg19) VCF-style: chr11-108186795-CGAAACA-TC.
Other names: c.6153_6159delinsTC, p.Glu2052fs (NM_001351834.2); c.641-7003_641-6997delinsGA (NM_001330368.2); c.*39-7003_*39-6997delinsGA (NM_001351110.2); short protein forms E2052fs.
Identifiers: ClinVar variation 3222243 (VCV003222243.1), dbSNP rs2547095723, ClinGen allele CA2825001855.

ClinVar aggregate classification (germline): Pathogenic (1 of 4 stars; one submission).

Conditions:
Hereditary cancer-predisposing syndrome. Also called: Tumor predisposition; Hereditary Cancer Syndrome; Hereditary neoplastic syndrome; Neoplastic Syndromes, Hereditary. Identifiers: Orphanet 140162, MedGen C0027672, MeSH D009386, MONDO:0015356.

Submission:

Ambry Genetics
Classification: Pathogenic for Hereditary cancer-predisposing syndrome. Last evaluated: 2024-03-12. Review status: criteria provided, single submitter. Criteria: Ambry Variant Classification Scheme 2023. Collection method: clinical testing. Allele origin: germline.
Comment: The c.6153_6159delCGAAACAinsTC pathogenic mutation, located in coding exon 41 of the ATM gene, results from the deletion of 7 nucleotides and insertion of two nucleotides causing a translational frameshift with a predicted alternate stop codon (p.E2052Rfs*34). This variant is considered to be rare based on population cohorts in the Genome Aggregation Database (gnomAD). This alteration is expected to result in loss of function by premature protein truncation or nonsense-mediated mRNA decay. As such, this alteration is interpreted as a disease-causing mutation.